The following is an entry in ClinVar:

ClinVar aggregate classification (germline): Pathogenic (1 of 4 stars; one submission).

Conditions:
DYRK1A-related intellectual disability syndrome (MRD7). Also called: Intellectual developmental disorder, autosomal dominant 7; DYRK1A Syndrome. Identifiers: Orphanet 464306, MedGen C5568143, MONDO:0013578, OMIM 614104.

Submission:

Labcorp Genetics (formerly Invitae), Labcorp
Classification: Pathogenic for DYRK1A-related intellectual disability syndrome. Last evaluated: 2020-04-23. Review status: criteria provided, single submitter. Criteria: Invitae Variant Classification Sherloc (09022015). Collection method: clinical testing. Allele origin: germline.
Comment: For these reasons, this variant has been classified as Pathogenic. Loss-of-function variants in DYRK1A are known to be pathogenic (PMID: 25944381). Isolated whole-gene deletions of DYRK1A have not been reported in the literature. However, larger copy number events that include this gene have been reported (PMID: 21204217). A gross deletion of the genomic region encompassing the full coding sequence of the DYRK1A gene has been identified. The boundaries of this event are unknown as the deletion extends beyond the assayed region for this gene and therefore may encompass additional genes.

Literature cited by the submitters: PubMed 25944381; PubMed 21204217.

NC_000021.8:g.(?_38792657)_(38884854_?)del

Gene: DYRK1A (dual specificity tyrosine phosphorylation regulated kinase 1A; plus strand). Cytogenetic location: 21q22.13.
Variant type: Deletion.
Identifiers: ClinVar variation 584409 (VCV000584409.8).